The following is an entry in ClinVar:

ClinVar aggregate classification (germline): Uncertain significance. Review status: criteria provided, multiple submitters, no conflicts (2 of 4 stars). 2 submissions from 2 submitters: Uncertain significance (2). Last evaluated 2024-07-22.

Allele frequency attached by ClinVar (database versions not stated): gnomAD exomes below 0.00001 and 0.00002; ExAC 0.00002; gnomAD 0.00002 and 0.00003; TOPMed 0.00003.
gnomAD v4.1: 35 of 1,604,910 alleles (0.0022%); highest among the groups gnomAD compares: African/African-American, 0.0027%; no homozygotes.

Submissions (2):

Labcorp Genetics (formerly Invitae), Labcorp
Classification: Uncertain significance. Last evaluated: 2024-07-22. Review status: criteria provided, single submitter. Criteria: Invitae Variant Classification Sherloc (09022015). Collection method: clinical testing. Allele origin: germline.
Comment: This sequence change replaces proline, which is neutral and non-polar, with leucine, which is neutral and non-polar, at codon 245 of the SLC34A3 protein (p.Pro245Leu). The frequency data for this variant in the population databases is considered unreliable, as metrics indicate poor data quality at this position in the gnomAD database. This variant has not been reported in the literature in individuals affected with SLC34A3-related conditions. ClinVar contains an entry for this variant (Variation ID: 500228). Advanced modeling of protein sequence and biophysical properties (such as structural, functional, and spatial information, amino acid conservation, physicochemical variation, residue mobility, and thermodynamic stability) performed at Invitae indicates that this missense variant is not expected to disrupt SLC34A3 protein function with a negative predictive value of 80%. In summary, the available evidence is currently insufficient to determine the role of this variant in disease. Therefore, it has been classified as a Variant of Uncertain Significance.

Eurofins Ntd Llc (ga)
Classification: Uncertain significance. Last evaluated: 2017-01-31. Review status: criteria provided, single submitter. Criteria: EGL Classification Definitions 2015. Collection method: clinical testing. Allele origin: germline. Observed: 1 variant allele, 1 heterozygote.

NM_001177316.2(SLC34A3):c.734C>T (p.Pro245Leu)

Gene: SLC34A3 (solute carrier family 34 member 3; plus strand). Cytogenetic location: 9q34.3.
Variant type: single nucleotide variant.
Coding change: c.734C>T on transcript NM_001177316.2 (MANE Select); coding-DNA position 734, C replaced by T.
Protein change: p.Pro245Leu; replaces proline 245 with leucine.
Molecular consequence: missense variant.
Genome position (GRCh38, 1-based): chr9:137,233,382, C>T. VCF-style: chr9-137233382-C-T. GRCh37 (hg19) VCF-style: chr9-140127834-C-T.
Other names: c.734C>T, p.Pro245Leu (NM_001177317.2, NM_080877.3); short protein forms P245L.
Identifiers: ClinVar variation 500228 (VCV000500228.9), dbSNP rs773260718, ClinGen allele CA5364537.